The following is an entry in ClinVar:

NM_175634.3(RUNX1T1):c.1642C>T (p.His548Tyr)

Gene: RUNX1T1 (RUNX1 partner transcriptional co-repressor 1; minus strand). Cytogenetic location: 8q21.3.
Variant type: single nucleotide variant.
Coding change: c.1642C>T on transcript NM_175634.3 (MANE Select); coding-DNA position 1642, C replaced by T.
Protein change: p.His548Tyr; replaces histidine 548 with tyrosine.
Molecular consequence: missense variant.
Genome position (GRCh38, 1-based): chr8:91,960,415, G>A on the plus strand (C>T on the coding strand, the complement: RUNX1T1 is on the minus strand). VCF-style: chr8-91960415-G-A. GRCh37 (hg19) VCF-style: chr8-92972643-G-A.
Other names: c.1561C>T, p.His521Tyr (NM_001198625.2, NM_001198632.2, NM_004349.4); c.1642C>T, p.His548Tyr (NM_001198626.2, NM_001198627.2, NM_001198628.2 and 3 more transcripts); c.1582C>T, p.His528Tyr (NM_001198633.2); c.1675C>T, p.His559Tyr (NM_001198634.2); c.1819C>T, p.His607Tyr (NM_001198679.3); c.1726C>T, p.His576Tyr (NM_001395209.1); c.1531C>T, p.His511Tyr (NM_175635.3, NM_175636.2); short protein forms H511Y, H521Y, H528Y, H548Y, H559Y, H576Y, H607Y.
Identifiers: ClinVar variation 3337988 (VCV003337988.2).

ClinVar aggregate classification (germline): Uncertain significance. Review status: criteria provided, single submitter (1 of 4 stars). 2 submissions from 1 submitter: Uncertain significance (1). 1 of the submissions does not count toward it. Last evaluated 2024-02-29.

Conditions:
PPP1R13B related disorder.

Submissions (2):

GeneDx
Classification: Uncertain significance. Last evaluated: 2024-02-29. Review status: criteria provided, single submitter. Criteria: GeneDx Variant Classification Process June 2021. Collection method: clinical testing. Allele origin: germline. Affected: yes.
Comment: Not observed at significant frequency in large population cohorts (gnomAD); In silico analysis supports that this missense variant has a deleterious effect on protein structure/function; Has not been previously published as pathogenic or benign to our knowledge; Variants in candidate genes are classified as variants of uncertain significance in accordance with ACMG guidelines (PMID: 25741868)

GeneDx
Classification: Uncertain significance for PPP1R13B related disorder. Last evaluated: 2024-02-20. Review status: flagged submission. Criteria: GeneDx Variant Classification Process June 2021. Collection method: clinical testing. Allele origin: germline. Affected: yes. Not counted in ClinVar's aggregate classification.
ClinVar note: Reason: This record appears to be redundant with a more recent record from the same submitter.
ClinVar note: Notes: SCV005184300 appears to be redundant with SCV005414882.